The following is an entry in ClinVar:

NM_003384.3(VRK1):c.1037del (p.Asn346fs)

Gene: VRK1 (VRK serine/threonine kinase 1; plus strand). Cytogenetic location: 14q32.2.
Variant type: Deletion.
Coding change: c.1037del on transcript NM_003384.3 (MANE Select); coding-DNA position 1037, one base deleted (A; older notation c.1037delA).
Protein change: p.Asn346fs; shifts the reading frame from asparagine 346.
Molecular consequence: frameshift variant.
Genome position (GRCh38, 1-based): chr14:96,860,704, A deleted; the last of 2 consecutive A bases (chr14:96,860,703-96,860,704); deleting either gives the same sequence. VCF-style (leftmost placement, unchanged base first): chr14-96860702-GA-G. GRCh37 (hg19) VCF-style: chr14-97327039-GA-G.
Other names: c.1037del, p.Asn346fs (NM_001411051.1, NM_001411053.1); short protein forms N346fs.
Identifiers: ClinVar variation 5016133 (VCV005016133.1).

ClinVar aggregate classification (germline): Pathogenic (1 of 4 stars; one submission).

Conditions:
Pontocerebellar hypoplasia type 1A (PCH1A). Also called: PONTOCEREBELLAR HYPOPLASIA WITH ANTERIOR HORN CELL DISEASE; PONTOCEREBELLAR HYPOPLASIA WITH INFANTILE SPINAL MUSCULAR ATROPHY. Identifiers: Orphanet 2254, Orphanet 88616, MedGen C1843504, MONDO:0011866, OMIM 607596.

Submission:

Myriad Genetics, Inc.
Classification: Pathogenic for Pontocerebellar hypoplasia type 1A. Last evaluated: 2026-07-16. Review status: criteria provided, single submitter. Criteria: Myriad Autosomal Dominant, Autosomal Recessive and X-Linked Classification Criteria (2023). Collection method: clinical testing. Allele origin: unknown.
Comment: NM_003384.2(VRK1):c.1037delA(N346Mfs*4) is expected to be pathogenic in the context of pontocerebellar hypoplasia, VRK1-related. This variant is predicted to lead to an abnormal or absent protein product due to the creation of a premature termination codon in VRK1, a gene where loss-of-function variants are known to be pathogenic. Please note: this variant was assessed in the context of healthy population screening.